The following is an entry in ClinVar:

ClinVar aggregate classification (germline): Likely pathogenic (1 of 4 stars; one submission).

Conditions:
Dilated cardiomyopathy 1G (CMD1G). Identifiers: Orphanet 154, MedGen C1858763, MONDO:0011400, OMIM 604145.
Autosomal recessive limb-girdle muscular dystrophy type 2J (LGMDR10). Also called: Limb-girdle muscular dystrophy, type 2J; MUSCULAR DYSTROPHY, LIMB-GIRDLE, AUTOSOMAL RECESSIVE 10. Identifiers: Orphanet 140922, MedGen C1837342, MONDO:0012127, OMIM 608807.

Submission:

Labcorp Genetics (formerly Invitae), Labcorp
Classification: Likely pathogenic for Dilated cardiomyopathy 1G; Autosomal recessive limb-girdle muscular dystrophy type 2J. Last evaluated: 2024-10-18. Review status: criteria provided, single submitter. Criteria: Invitae Variant Classification Sherloc (09022015). Collection method: clinical testing. Allele origin: germline.
Comment: This sequence change creates a premature translational stop signal (p.Leu7801Alafs*3) in the TTN gene. While this is not anticipated to result in nonsense mediated decay, it is expected to create a truncated TTN protein. This variant is not present in population databases (gnomAD no frequency). This variant has not been reported in the literature in individuals affected with TTN-related conditions. ClinVar contains an entry for this variant (Variation ID: 2057043). This variant is located in the I band of TTN (PMID: 25589632). Truncating variants in this region have been reported in individuals affected with autosomal recessive centronuclear myopathy (PMID: 23975875, internal data). Truncating variants in this region have also been identified in individuals affected with autosomal dominant dilated cardiomyopathy and/or cardio-related conditions (PMID: 27869827, 32964742, internal data). In summary, the currently available evidence indicates that the variant is pathogenic, but additional data are needed to prove that conclusively. Therefore, this variant has been classified as Likely Pathogenic.

Literature cited by the submitters: PubMed 25589632; PubMed 23975875; PubMed 27869827; PubMed 32964742.

NM_001267550.2(TTN):c.23399dup (p.Leu7801fs)

Gene: TTN (titin; minus strand). Cytogenetic location: 2q31.2.
Variant type: Duplication.
Coding change: c.23399dup on transcript NM_001267550.2 (MANE Select); coding-DNA position 23399, one base duplicated (A; older notation c.23399dupA).
Protein change: p.Leu7801fs; shifts the reading frame from leucine 7801.
Molecular consequence: frameshift variant. On other transcripts: intron variant (3).
Genome position (GRCh38, 1-based): chr2:178,720,243, T duplicated on the plus strand (A on the coding strand, the reverse complement: TTN is on the minus strand); the first of 5 consecutive T bases (chr2:178,720,243-178,720,247); duplicating any one gives the same sequence. VCF-style (leftmost placement, unchanged base first): chr2-178720242-C-CT. GRCh37 (hg19) VCF-style: chr2-179584969-C-CT.
Other names: c.22448dup, p.Leu7484fs (NM_001256850.1); c.19667dup, p.Leu6557fs (NM_133378.4); c.13282+17839dup (NM_003319.4); c.13858+17839dup (NM_133437.4); c.13657+17839dup (NM_133432.3); short protein forms L7484fs, L7801fs, L6557fs.
Identifiers: ClinVar variation 2057043 (VCV002057043.4), dbSNP rs2529341702, ClinGen allele CA645514487.